The following is an entry in ClinVar:

NM_148919.4(PSMB8):c.487C>T (p.Arg163Trp)

Gene: PSMB8 (proteasome 20S subunit beta 8; minus strand). Cytogenetic location: 6p21.32.
Variant type: single nucleotide variant.
Coding change: c.487C>T on transcript NM_148919.4 (MANE Select); coding-DNA position 487, C replaced by T.
Protein change: p.Arg163Trp; replaces arginine 163 with tryptophan.
Molecular consequence: missense variant.
Genome position (GRCh38, 1-based): chr6:32,842,184, G>A on the plus strand (C>T on the coding strand, the complement: PSMB8 is on the minus strand). VCF-style: chr6-32842184-G-A. GRCh37 (hg19) VCF-style: chr6-32809961-G-A.
Other names: c.475C>T, p.Arg159Trp (NM_004159.5); short protein forms R163W, R159W.
Identifiers: ClinVar variation 963136 (VCV000963136.9), dbSNP rs55835906, ClinGen allele CA137007680.

ClinVar aggregate classification (germline): Uncertain significance. Review status: criteria provided, multiple submitters, no conflicts (2 of 4 stars). 3 submissions from 3 submitters: Uncertain significance (3). Last evaluated 2024-10-14.

Conditions:
Proteasome-associated autoinflammatory syndrome 1 (PRAAS1). Also called: Nakajo syndrome; AUTOINFLAMMATION, LIPODYSTROPHY, AND DERMATOSIS SYNDROME; NAKAJO-NISHIMURA SYNDROME; CHRONIC ATYPICAL NEUTROPHILIC DERMATOSIS WITH LIPODYSTROPHY AND ELEVATED TEMPERATURE SYNDROME; JOINT CONTRACTURES, MUSCULAR ATROPHY, MICROCYTIC ANEMIA, AND PANNICULITIS-INDUCED LIPODYSTROPHY; JMP SYNDROME. Identifiers: Orphanet 2615, Orphanet 324977, Orphanet 324999, Orphanet 325004, MedGen C4746851, MONDO:0054698, OMIM 256040.

Allele frequency attached by ClinVar (database versions not stated): gnomAD exomes 0.00002 and 0.00004; gnomAD 0.00004 and 0.00005; TOPMed 0.00007.

Submissions (3):

Blueprint Genetics
Classification: Uncertain significance. Last evaluated: 2024-10-14. Review status: criteria provided, single submitter. Criteria: ACMG Guidelines, 2015. Collection method: clinical testing. Allele origin: germline.

GeneDx
Classification: Uncertain significance. Last evaluated: 2024-09-18. Review status: criteria provided, single submitter. Criteria: GeneDx Variant Classification Process June 2021. Collection method: clinical testing. Allele origin: germline. Affected: yes.
Comment: In silico analysis supports that this missense variant has a deleterious effect on protein structure/function; Has not been previously published as pathogenic or benign to our knowledge

Labcorp Genetics (formerly Invitae), Labcorp
Classification: Uncertain significance for Proteosome-associated autoinflammatory syndrome. Last evaluated: 2022-07-04. Review status: criteria provided, single submitter. Criteria: Invitae Variant Classification Sherloc (09022015). Collection method: clinical testing. Allele origin: germline.
Comment: This sequence change replaces arginine, which is basic and polar, with tryptophan, which is neutral and slightly polar, at codon 163 of the PSMB8 protein (p.Arg163Trp). This variant is present in population databases (rs55835906, gnomAD 0.02%). This variant has not been reported in the literature in individuals affected with PSMB8-related conditions. ClinVar contains an entry for this variant (Variation ID: 963136). Algorithms developed to predict the effect of missense changes on protein structure and function (SIFT, PolyPhen-2, Align-GVGD) all suggest that this variant is likely to be disruptive. In summary, the available evidence is currently insufficient to determine the role of this variant in disease. Therefore, it has been classified as a Variant of Uncertain Significance.